The following is an entry in ClinVar:

NM_022765.4(MICAL1):c.2978T>C (p.Ile993Thr)

Gene: MICAL1 (microtubule associated monooxygenase, calponin and LIM domain containing 1; minus strand). Cytogenetic location: 6q21.
Variant type: single nucleotide variant.
Coding change: c.2978T>C on transcript NM_022765.4 (MANE Select); coding-DNA position 2978, T replaced by C.
Protein change: p.Ile993Thr; replaces isoleucine 993 with threonine.
Molecular consequence: missense variant.
Genome position (GRCh38, 1-based): chr6:109,444,899, A>G on the plus strand (T>C on the coding strand, the complement: MICAL1 is on the minus strand). VCF-style: chr6-109444899-A-G. GRCh37 (hg19) VCF-style: chr6-109766102-A-G.
Other names: c.2720T>C, p.Ile907Thr (NM_001159291.2); c.3035T>C, p.Ile1012Thr (NM_001286613.2); short protein forms I907T, I993T, I1012T.
Identifiers: ClinVar variation 2965400 (VCV002965400.3), dbSNP rs2482765983, ClinGen allele CA365221128.

ClinVar aggregate classification (germline): Uncertain significance (1 of 4 stars; one submission).

Submission:

Labcorp Genetics (formerly Invitae), Labcorp
Classification: Uncertain significance. Last evaluated: 2022-12-05. Review status: criteria provided, single submitter. Criteria: Invitae Variant Classification Sherloc (09022015). Collection method: clinical testing. Allele origin: germline.
Comment: This variant has not been reported in the literature in individuals affected with MICAL1-related conditions. In summary, the available evidence is currently insufficient to determine the role of this variant in disease. Therefore, it has been classified as a Variant of Uncertain Significance. Algorithms developed to predict the effect of missense changes on protein structure and function are either unavailable or do not agree on the potential impact of this missense change (SIFT: "Deleterious"; PolyPhen-2: "Probably Damaging"; Align-GVGD: "Class C0"). This variant is not present in population databases (gnomAD no frequency). This sequence change replaces isoleucine, which is neutral and non-polar, with threonine, which is neutral and polar, at codon 1012 of the MICAL1 protein (p.Ile1012Thr).